The following is an entry in ClinVar:

ClinVar aggregate classification (germline): Uncertain significance (1 of 4 stars; one submission).

Conditions:
Hereditary spastic paraplegia 4. Also called: Spastic Paraplegia 4; Familial spastic paraplegia autosomal dominant 2; Spastic paraplegia 4, autosomal dominant. Identifiers: Orphanet 100985, MedGen C1866855, MONDO:0008438, OMIM 182601.

gnomAD v4.1: 5 of 1,585,006 alleles (0.00032%); highest among the groups gnomAD compares: Non-Finnish European, 0.00043%; no homozygotes.

Submission:

Labcorp Genetics (formerly Invitae), Labcorp
Classification: Uncertain significance for Hereditary spastic paraplegia 4. Last evaluated: 2024-04-24. Review status: criteria provided, single submitter. Criteria: Invitae Variant Classification Sherloc (09022015). Collection method: clinical testing. Allele origin: germline.
Comment: This sequence change replaces lysine, which is basic and polar, with asparagine, which is neutral and polar, at codon 10 of the SPAST protein (p.Lys10Asn). This variant is not present in population databases (gnomAD no frequency). This variant has not been reported in the literature in individuals affected with SPAST-related conditions. Advanced modeling of protein sequence and biophysical properties (such as structural, functional, and spatial information, amino acid conservation, physicochemical variation, residue mobility, and thermodynamic stability) has been performed at Invitae for this missense variant, however the output from this modeling did not meet the statistical confidence thresholds required to predict the impact of this variant on SPAST protein function. In summary, the available evidence is currently insufficient to determine the role of this variant in disease. Therefore, it has been classified as a Variant of Uncertain Significance.

NM_014946.4(SPAST):c.30G>C (p.Lys10Asn)

Gene: SPAST (spastin; plus strand). Cytogenetic location: 2p22.3.
Variant type: single nucleotide variant.
Coding change: c.30G>C on transcript NM_014946.4 (MANE Select); coding-DNA position 30, G replaced by C.
Protein change: p.Lys10Asn; replaces lysine 10 with asparagine.
Molecular consequence: missense variant.
Genome position (GRCh38, 1-based): chr2:32,063,861, G>C. VCF-style: chr2-32063861-G-C. GRCh37 (hg19) VCF-style: chr2-32288930-G-C.
Other names: c.30G>C, p.Lys10Asn (NM_001363823.2, NM_001363875.2, NM_001377959.1 and 1 more transcripts); short protein forms K10N.
Identifiers: ClinVar variation 3709424 (VCV003709424.2).